The following is an entry in ClinVar:

NC_000015.9:g.(?_78397653)_(78423557_?)dup

Gene: CIB2 (calcium and integrin binding family member 2; minus strand). Cytogenetic location: 15q25.1.
Variant type: Duplication.
Identifiers: ClinVar variation 1023397 (VCV001023397.2).

ClinVar aggregate classification (germline): Uncertain significance (1 of 4 stars; one submission).

Submission:

Labcorp Genetics (formerly Invitae), Labcorp
Classification: Uncertain significance. Last evaluated: 2020-08-05. Review status: criteria provided, single submitter. Criteria: Invitae Variant Classification Sherloc (09022015). Collection method: clinical testing. Allele origin: germline.
Comment: This variant results in a copy number gain of the genomic region encompassing the full coding sequence of the CIB2 gene. The boundaries of this event are unknown as they extend beyond the assayed region for this gene and therefore may encompass additional genes. As the precise location of this event is unknown, it may be in tandem or it may be located elsewhere in the genome. This variant has not been reported in the literature in individuals with CIB2-related conditions. In summary, the available evidence is currently insufficient to determine the role of this variant in disease. Therefore, it has been classified as a Variant of Uncertain Significance.